The following is an entry in ClinVar:

ClinVar aggregate classification (germline): Uncertain significance (1 of 4 stars; one submission).

Submission:

Labcorp Genetics (formerly Invitae), Labcorp
Classification: Uncertain significance. Last evaluated: 2022-03-17. Review status: criteria provided, single submitter. Criteria: Invitae Variant Classification Sherloc (09022015). Collection method: clinical testing. Allele origin: germline.
Comment: Algorithms developed to predict the effect of missense changes on protein structure and function are either unavailable or do not agree on the potential impact of this missense change (SIFT: "Deleterious"; PolyPhen-2: "Not Available"; Align-GVGD: "Class C55"). In summary, the available evidence is currently insufficient to determine the role of this variant in disease. Therefore, it has been classified as a Variant of Uncertain Significance. This variant has not been reported in the literature in individuals affected with COL4A1-related conditions. This sequence change replaces glycine, which is neutral and non-polar, with alanine, which is neutral and non-polar, at codon 1593 of the COL4A1 protein (p.Gly1593Ala). This variant is not present in population databases (gnomAD no frequency).

NM_001845.6(COL4A1):c.4778G>C (p.Gly1593Ala)

Gene: COL4A1 (collagen type IV alpha 1 chain; minus strand). Cytogenetic location: 13q34.
Variant type: single nucleotide variant.
Coding change: c.4778G>C on transcript NM_001845.6 (MANE Select); coding-DNA position 4778, G replaced by C.
Protein change: p.Gly1593Ala; replaces glycine 1593 with alanine.
Molecular consequence: missense variant.
Genome position (GRCh38, 1-based): chr13:110,152,484, C>G on the plus strand (G>C on the coding strand, the complement: COL4A1 is on the minus strand). VCF-style: chr13-110152484-C-G. GRCh37 (hg19) VCF-style: chr13-110804831-C-G.
Other names: short protein forms G1593A.
Identifiers: ClinVar variation 2087650 (VCV002087650.4), dbSNP rs889464899, ClinGen allele CA388654793.